The following is an entry in ClinVar:

NM_001378615.1(CC2D2A):c.4178A>C (p.Glu1393Ala)

Genes: CC2D2A (coiled-coil and C2 domain containing 2A; plus strand), FBXL5 (F-box and leucine rich repeat protein 5; minus strand). Cytogenetic location: 4p15.32.
Variant type: single nucleotide variant.
Coding change: c.4178A>C on transcript NM_001378615.1 (MANE Select); coding-DNA position 4178, A replaced by C.
Protein change: p.Glu1393Ala; replaces glutamic acid 1393 with alanine.
Molecular consequence: missense variant.
Genome position (GRCh38, 1-based): chr4:15,587,928, A>C. VCF-style: chr4-15587928-A-C. GRCh37 (hg19) VCF-style: chr4-15589551-A-C.
Other names: c.4178A>C, p.Glu1393Ala (NM_001080522.2); c.4031A>C, p.Glu1344Ala (NM_001378617.1); short protein forms E1393A, E1344A.
Identifiers: ClinVar variation 1044170 (VCV001044170.6), dbSNP rs1258451179, ClinGen allele CA356429408.

ClinVar aggregate classification (germline): Uncertain significance (1 of 4 stars; one submission).

Conditions:
Joubert syndrome. Also called: JOUBERT-BOLTSHAUSER SYNDROME; Familial aplasia of the vermis. Identifiers: Orphanet 475, MedGen C5979921, MONDO:0018772.
Meckel-Gruber syndrome. Also called: Dysencephalia splachnocystica; DYSENCEPHALIA SPLANCHNOCYSTICA; GRUBER SYNDROME. Identifiers: Orphanet 564, MedGen C0265215, MONDO:0018921.

Allele frequency attached by ClinVar (database versions not stated): gnomAD exomes below 0.00001 and 0.00001; TOPMed below 0.00001.
gnomAD v4.1: 1 of 1,578,050 alleles (0.000063%); highest among the groups gnomAD compares: East Asian, 0.0022%; no homozygotes.

Submission:

Labcorp Genetics (formerly Invitae), Labcorp
Classification: Uncertain significance for Joubert syndrome; Meckel-Gruber syndrome. Last evaluated: 2021-08-12. Review status: criteria provided, single submitter. Criteria: Invitae Variant Classification Sherloc (09022015). Collection method: clinical testing. Allele origin: germline.
Comment: This sequence change replaces glutamic acid with alanine at codon 1393 of the CC2D2A protein (p.Glu1393Ala). The glutamic acid residue is highly conserved and there is a moderate physicochemical difference between glutamic acid and alanine. This variant is not present in population databases (ExAC no frequency). This missense change has been observed in individual(s) with clinical features of CC2D2A-related¬†conditions (Invitae). Algorithms developed to predict the effect of missense changes on protein structure and function are either unavailable or do not agree on the potential impact of this missense change (SIFT: "Deleterious"; PolyPhen-2: "Probably Damaging"; Align-GVGD: "Class C0"). In summary, the available evidence is currently insufficient to determine the role of this variant in disease. Therefore, it has been classified as a Variant of Uncertain Significance.